The following is an entry in ClinVar:

NM_018136.5(ASPM):c.1731C>T (p.Ser577=)

Gene: ASPM (assembly factor for spindle microtubules; minus strand). Cytogenetic location: 1q31.3.
Variant type: single nucleotide variant.
Coding change: c.1731C>T on transcript NM_018136.5 (MANE Select); coding-DNA position 1731, C replaced by T.
Protein change: p.Ser577=; no amino-acid change (serine 577 retained).
Molecular consequence: synonymous variant.
Genome position (GRCh38, 1-based): chr1:197,142,521, G>A on the plus strand (C>T on the coding strand, the complement: ASPM is on the minus strand). VCF-style: chr1-197142521-G-A. GRCh37 (hg19) VCF-style: chr1-197111651-G-A.
Other names: c.1731C>T, p.Ser577= (NM_001206846.2).
Identifiers: ClinVar variation 2639707 (VCV002639707.27), dbSNP rs756593418, ClinGen allele CA1310659.

ClinVar aggregate classification (germline): Likely benign. Review status: criteria provided, multiple submitters, no conflicts (2 of 4 stars). 2 submissions from 2 submitters: Likely benign (2). Last evaluated 2023-08-14.

Allele frequency attached by ClinVar (database versions not stated): gnomAD 0.00001; TOPMed 0.00003.
gnomAD v4.1: 11 of 1,613,796 alleles (0.00068%); highest among the groups gnomAD compares: Middle Eastern, 0.033%; no homozygotes.

Submissions (2):

Labcorp Genetics (formerly Invitae), Labcorp
Classification: Likely benign. Last evaluated: 2023-08-14. Review status: criteria provided, single submitter. Criteria: Invitae Variant Classification Sherloc (09022015). Collection method: clinical testing. Allele origin: germline.

CeGaT Center for Human Genetics Tuebingen
Classification: Likely benign. Last evaluated: 2022-03-01. Review status: criteria provided, single submitter. Criteria: CeGaT Center For Human Genetics Tuebingen Variant Classification Criteria Version 2. Collection method: clinical testing. Allele origin: germline. Affected: yes. Observed: 1 variant allele.
Comment: ASPM: BP4, BP7